The following is an entry in ClinVar:

NC_000007.13:g.(?_143039002)_(143044062_?)del

Gene: CLCN1 (chloride voltage-gated channel 1; plus strand). Cytogenetic location: 7q34.
Variant type: Deletion.
Identifiers: ClinVar variation 2422326 (VCV002422326.4).

ClinVar aggregate classification (germline): Pathogenic (1 of 4 stars; one submission).

Conditions:
Congenital myotonia, autosomal recessive form. Also called: Becker Generalized Myotonia; BECKER DISEASE; myotonia congenita, autosomal recessive. Identifiers: Orphanet 614, MedGen C0751360, MONDO:0009715, OMIM 255700.
Congenital myotonia, autosomal dominant form (THD). Also called: THOMSEN DISEASE; Myotonia congenita autosomal dominant. Identifiers: Orphanet 614, MedGen C2936781, MONDO:0008055, OMIM 160800.

Submission:

Labcorp Genetics (formerly Invitae), Labcorp
Classification: Pathogenic for Congenital myotonia, autosomal recessive form; Congenital myotonia, autosomal dominant form. Last evaluated: 2022-06-10. Review status: criteria provided, single submitter. Criteria: Invitae Variant Classification Sherloc (09022015). Collection method: clinical testing. Allele origin: germline.
Comment: For these reasons, this variant has been classified as Pathogenic. This variant is a gross deletion of the genomic region encompassing exon(s) 15-20 of the CLCN1 gene. This deletion is out-of-frame, and is expected to create a premature termination codon and result in an absent or disrupted protein product. Loss-of-function variants in CLCN1 are known to be pathogenic (PMID: 17932099, 22094069, 23739125). This variant has not been reported in the literature in individuals affected with CLCN1-related conditions.

Literature cited by the submitters: PubMed 17932099; PubMed 22094069; PubMed 23739125.